The following is an entry in ClinVar:

ClinVar aggregate classification (germline): Conflicting classifications of pathogenicity. Review status: criteria provided, conflicting classifications (1 of 4 stars). 2 submissions from 2 submitters: Uncertain significance (1); Likely benign (1). Last evaluated 2026-04-14.

Conditions:
OPA1-related disorder. Also called: OPA1-related condition; OPA1-related disorders.

gnomAD v4.1: 7 of 1,611,752 alleles (0.00043%); 1 homozygote.

Submissions (2):

PreventionGenetics, part of Exact Sciences
Classification: Uncertain significance for OPA1-related condition. Last evaluated: 2026-04-14. Review status: criteria provided, single submitter. Criteria: ACMG Guidelines, 2015. Collection method: clinical testing. Allele origin: germline.
Comment: The OPA1 c.565T>A variant is predicted to result in the amino acid substitution p.Leu189Met. To our knowledge, this variant has not been reported in the literature or in a large population database (gnomAD), indicating this variant is rare. This variant can also be referred to as c.556+507T>A (Intronic) on alternate transcript NM_015560. At this time, the clinical significance of this variant is uncertain due to the absence of conclusive functional and genetic evidence.

Labcorp Genetics (formerly Invitae), Labcorp
Classification: Likely benign. Last evaluated: 2025-02-13. Review status: criteria provided, single submitter. Criteria: Invitae Variant Classification Sherloc (09022015). Collection method: clinical testing. Allele origin: germline.

NM_130837.3(OPA1):c.565T>A (p.Leu189Met)

Gene: OPA1 (OPA1 mitochondrial dynamin like GTPase; plus strand). Cytogenetic location: 3q29.
Variant type: single nucleotide variant.
Coding change: c.565T>A on transcript NM_130837.3 (MANE Select); coding-DNA position 565, T replaced by A.
Protein change: p.Leu189Met; replaces leucine 189 with methionine.
Molecular consequence: missense variant. On other transcripts: intron variant (6).
Genome position (GRCh38, 1-based): chr3:193,617,792, T>A. VCF-style: chr3-193617792-T-A. GRCh37 (hg19) VCF-style: chr3-193335581-T-A.
Other names: c.457T>A, p.Leu153Met (NM_130832.3, NM_130835.3); c.565T>A, p.Leu189Met (NM_130834.3); c.184+507T>A (NM_001354664.2); c.77-1077T>A (NM_001354663.2); c.556+507T>A (NM_130836.3, NM_015560.3); c.449-1077T>A (NM_130833.3, NM_130831.3); short protein forms L153M, L189M.
Identifiers: ClinVar variation 1937502 (VCV001937502.6), dbSNP rs1312157928, ClinGen allele CA355787804.